The following is an entry in ClinVar:

NM_001041.4(SI):c.4195T>A (p.Ser1399Thr)

Gene: SI (sucrase-isomaltase; minus strand). Cytogenetic location: 3q26.1.
Variant type: single nucleotide variant.
Coding change: c.4195T>A on transcript NM_001041.4 (MANE Select); coding-DNA position 4195, T replaced by A.
Protein change: p.Ser1399Thr; replaces serine 1399 with threonine.
Molecular consequence: missense variant.
Genome position (GRCh38, 1-based): chr3:165,007,983, A>T on the plus strand (T>A on the coding strand, the complement: SI is on the minus strand). VCF-style: chr3-165007983-A-T. GRCh37 (hg19) VCF-style: chr3-164725771-A-T.
Other names: short protein forms S1399T.
Identifiers: ClinVar variation 2083822 (VCV002083822.4), dbSNP rs2473244093, ClinGen allele CA355033435.

ClinVar aggregate classification (germline): Uncertain significance (1 of 4 stars; one submission).

Submission:

Labcorp Genetics (formerly Invitae), Labcorp
Classification: Uncertain significance. Last evaluated: 2022-01-15. Review status: criteria provided, single submitter. Criteria: Invitae Variant Classification Sherloc (09022015). Collection method: clinical testing. Allele origin: germline.
Comment: This sequence change replaces serine, which is neutral and polar, with threonine, which is neutral and polar, at codon 1399 of the SI protein (p.Ser1399Thr). In summary, the available evidence is currently insufficient to determine the role of this variant in disease. Therefore, it has been classified as a Variant of Uncertain Significance. Algorithms developed to predict the effect of missense changes on protein structure and function (SIFT, PolyPhen-2, Align-GVGD) all suggest that this variant is likely to be tolerated. This variant has not been reported in the literature in individuals affected with SI-related conditions. This variant is not present in population databases (gnomAD no frequency).